The following is an entry in ClinVar:

NC_000019.10:g.851457A>G

Gene: ELANE (elastase, neutrophil expressed; plus strand). Cytogenetic location: 19p13.3.
Variant type: single nucleotide variant.
Genome position: GRCh38 VCF-style: chr19-851457-A-G. GRCh37 (hg19) VCF-style: chr19-851457-A-G.
Identifiers: ClinVar variation 3030858 (VCV003030858.2), dbSNP rs7260160, ClinGen allele CA303941264.

ClinVar aggregate classification (germline): Likely benign (0 of 4 stars; one submission).

Conditions:
ELANE-related disorder. Also called: ELANE-related condition.

Allele frequency attached by ClinVar (database versions not stated): gnomAD 0.00756.

Submission:

PreventionGenetics, part of Exact Sciences
Classification: Likely benign for ELANE-related condition. Last evaluated: 2022-06-20. Review status: no assertion criteria provided. Collection method: clinical testing. Allele origin: germline.
Comment: This variant is classified as likely benign based on ACMG/AMP sequence variant interpretation guidelines (Richards et al. 2015 PMID: 25741868, with internal and published modifications).